The following is an entry in ClinVar:

ClinVar aggregate classification (germline): Uncertain significance. Review status: criteria provided, multiple submitters, no conflicts (2 of 4 stars). 2 submissions from 2 submitters: Uncertain significance (2). Last evaluated 2024-12-19.

Conditions:
Congenital hyperammonemia, type I. Also called: CPS 1 deficiency; Carbamyl phosphate synthetase (CPS) deficiency; Carbamoyl phosphate synthetase I deficiency disease; CPS I DEFICIENCY; Carbamoyl phosphate synthetase 1 deficiency; Hyperammonemia due to carbamoyl phosphate synthetase 1 deficiency. Identifiers: Orphanet 147, MedGen C4082171, MONDO:0009376, OMIM 237300.
Inborn genetic diseases. Identifiers: MedGen C0950123, MeSH D030342.

Allele frequency attached by ClinVar (database versions not stated): gnomAD 0.00001; TOPMed 0.00001; ExAC 0.00002; ESP Exome Variant Server 0.00008.

Submissions (2):

Ambry Genetics
Classification: Uncertain significance for Inborn genetic diseases. Last evaluated: 2024-12-19. Review status: criteria provided, single submitter. Criteria: Ambry Variant Classification Scheme 2023. Collection method: clinical testing. Allele origin: germline.

Labcorp Genetics (formerly Invitae), Labcorp
Classification: Uncertain significance for Congenital hyperammonemia, type I. Last evaluated: 2021-09-17. Review status: criteria provided, single submitter. Criteria: Invitae Variant Classification Sherloc (09022015). Collection method: clinical testing. Allele origin: germline.
Comment: This sequence change replaces glutamine with arginine at codon 188 of the CPS1 protein (p.Gln188Arg). The glutamine residue is highly conserved and there is a small physicochemical difference between glutamine and arginine. This variant is present in population databases (rs376091629, ExAC 0.003%). This variant has not been reported in the literature in individuals with CPS1-related conditions. Algorithms developed to predict the effect of missense changes on protein structure and function (SIFT, PolyPhen-2, Align-GVGD) all suggest that this variant is likely to be tolerated, but these predictions have not been confirmed by published functional studies and their clinical significance is uncertain. In summary, the available evidence is currently insufficient to determine the role of this variant in disease. Therefore, it has been classified as a Variant of Uncertain Significance.

NM_001875.5(CPS1):c.563A>G (p.Gln188Arg)

Gene: CPS1 (carbamoyl-phosphate synthase 1; plus strand). Cytogenetic location: 2q34.
Variant type: single nucleotide variant.
Coding change: c.563A>G on transcript NM_001875.5 (MANE Select); coding-DNA position 563, A replaced by G.
Protein change: p.Gln188Arg; replaces glutamine 188 with arginine.
Molecular consequence: missense variant. On other transcripts: non-coding transcript variant (1).
Genome position (GRCh38, 1-based): chr2:210,582,651, A>G. VCF-style: chr2-210582651-A-G. GRCh37 (hg19) VCF-style: chr2-211447375-A-G.
Other names: c.563A>G, p.Gln188Arg (NM_001122633.3, NM_001369257.1); c.596A>G, p.Gln199Arg (NM_001369256.1); short protein forms Q188R, Q199R.
Identifiers: ClinVar variation 2156362 (VCV002156362.2), dbSNP rs376091629, ClinGen allele CA2086075.